The following is an entry in ClinVar:

NM_001101426.4(CRPPA):c.377G>A (p.Arg126His)

Gene: CRPPA (CDP-L-ribitol pyrophosphorylase A; minus strand). Cytogenetic location: 7p21.2.
Variant type: single nucleotide variant.
Coding change: c.377G>A on transcript NM_001101426.4 (MANE Select); coding-DNA position 377, G replaced by A.
Protein change: p.Arg126His; replaces arginine 126 with histidine.
Molecular consequence: missense variant. On other transcripts: non-coding transcript variant (1).
Genome position (GRCh38, 1-based): chr7:16,406,218, C>T on the plus strand (G>A on the coding strand, the complement: CRPPA is on the minus strand). VCF-style: chr7-16406218-C-T. GRCh37 (hg19) VCF-style: chr7-16445843-C-T.
Other names: c.377G>A, p.Arg126His (NM_001101417.4, NM_001368197.1); short protein forms R126H.
Identifiers: ClinVar variation 2948467 (VCV002948467.5), dbSNP rs752817129, ClinGen allele CA4169619.
Genomic context (GRCh38, chr7:16,406,218, plus strand): 5'-AGTTTAGAGTTGATCTGATCTTCTGCCAGTGCTTTTAGTCCATTGAAAATTGACCTGTGG[C>T]GGGTCACTCCAGCTTCGACCAGTGAGATGCGTTTATGCTGATACTTCTGAATAATACTTT-3'
Protein context (NP_001094896.1, residues 116-136): RISLVEAGVT[Arg126His]HRSIFNGLKA

ClinVar aggregate classification (germline): Conflicting classifications of pathogenicity. Review status: criteria provided, conflicting classifications (1 of 4 stars). 3 submissions from 3 submitters: Likely pathogenic (2); Uncertain significance (1). Last evaluated 2025-12-03.

Conditions:
Autosomal recessive limb-girdle muscular dystrophy type 2U. Also called: MUSCULAR DYSTROPHY, LIMB-GIRDLE, TYPE 2U; Muscular dystrophy-dystroglycanopathy (limb-girdle), type c, 7. Identifiers: Orphanet 352479, MedGen C5190987, MONDO:0014474, OMIM 616052.
Muscular dystrophy-dystroglycanopathy (congenital with brain and eye anomalies), type A, 7. Also called: WALKER-WARBURG SYNDROME OR MUSCLE-EYE-BRAIN DISEASE, ISPD-RELATED; Congenital muscular dystrophy-dystroglycanopathy with brain and eye anomalies, type A7. Identifiers: Orphanet 899, MedGen C3553330, MONDO:0013835, OMIM 614643.

Allele frequency attached by ClinVar (database versions not stated): gnomAD 0.00001; TOPMed 0.00002; ExAC 0.00004.

Submissions (3):

Labcorp Genetics (formerly Invitae), Labcorp
Classification: Likely pathogenic for Muscular dystrophy-dystroglycanopathy (congenital with brain and eye anomalies), type A, 7; Autosomal recessive limb-girdle muscular dystrophy type 2U. Last evaluated: 2025-12-03. Review status: criteria provided, single submitter. Criteria: Invitae Variant Classification Sherloc (09022015). Collection method: clinical testing. Allele origin: germline.
Comment: This sequence change replaces arginine, which is basic and polar, with histidine, which is basic and polar, at codon 126 of the ISPD protein (p.Arg126His). This variant is present in population databases (rs752817129, gnomAD 0.006%). This missense change has been observed in individual(s) with clinical features of ISPD-related conditions and/or Walker-Warburg syndrome (PMID: 22522421, 23288328). In at least one individual the data is consistent with being in trans (on the opposite chromosome) from a pathogenic variant. ClinVar contains an entry for this variant (Variation ID: 2948467). Invitae Evidence Modeling of protein sequence and biophysical properties (such as structural, functional, and spatial information, amino acid conservation, physicochemical variation, residue mobility, and thermodynamic stability) indicates that this missense variant is expected to disrupt ISPD protein function with a positive predictive value of 80%. In summary, the currently available evidence indicates that the variant is pathogenic, but additional data are needed to prove that conclusively. Therefore, this variant has been classified as Likely Pathogenic.

Revvity Omics, Revvity
Classification: Likely pathogenic. Last evaluated: 2024-01-25. Review status: criteria provided, single submitter. Criteria: ACMG Guidelines, 2015. Collection method: clinical testing. Allele origin: germline.

Department of Pathology and Laboratory Medicine, Sinai Health System
Classification: Uncertain significance for Muscular dystrophy-dystroglycanopathy (congenital with brain and eye anomalies), type A, 7; Autosomal recessive limb-girdle muscular dystrophy type 2U. Last evaluated: 2022-11-28. Review status: criteria provided, single submitter. Criteria: ACMG Guidelines, 2015. Collection method: research. Allele origin: germline.

Literature cited by the submitters: PubMed 22522421 (cited by Labcorp Genetics (formerly Invitae), Labcorp); PubMed 23288328 (cited by Labcorp Genetics (formerly Invitae), Labcorp).